The following is an entry in ClinVar:

ClinVar aggregate classification (germline): Likely benign. Review status: criteria provided, multiple submitters, no conflicts (2 of 4 stars). 3 submissions from 3 submitters: Likely benign (3). Last evaluated 2024-07-31.

Allele frequency attached by ClinVar (database versions not stated): ESP Exome Variant Server 0.00008; TOPMed 0.00017; gnomAD 0.00018 and 0.00026; gnomAD exomes 0.00026 and 0.00044; ExAC 0.00050; 1000 Genomes Project 30x 0.00062; 1000 Genomes Project 0.00080.
gnomAD v4.1: 435 of 1,613,806 alleles (0.027%); highest among the groups gnomAD compares: South Asian, 0.19%; no homozygotes.

Submissions (3):

Labcorp Genetics (formerly Invitae), Labcorp
Classification: Likely benign. Last evaluated: 2024-07-31. Review status: criteria provided, single submitter. Criteria: Invitae Variant Classification Sherloc (09022015). Collection method: clinical testing. Allele origin: germline.

CeGaT Center for Human Genetics Tuebingen
Classification: Likely benign. Last evaluated: 2022-11-01. Review status: criteria provided, single submitter. Criteria: CeGaT Center For Human Genetics Tuebingen Variant Classification Criteria Version 2. Collection method: clinical testing. Allele origin: germline. Affected: yes. Observed: 1 variant allele.
Comment: FLRT3: BP4, BP7

Breakthrough Genomics
Classification: Likely benign. Review status: criteria provided, single submitter. Criteria: ACMG Guidelines, 2015. Collection method: not provided. Allele origin: germline. Inheritance: Autosomal dominant inheritance. Affected: yes.

NM_198391.3(FLRT3):c.738C>A (p.Gly246=)

Genes: FLRT3 (fibronectin leucine rich transmembrane protein 3; minus strand), MACROD2 (mono-ADP ribosylhydrolase 2; plus strand). Cytogenetic location: 20p12.1.
Variant type: single nucleotide variant.
Coding change: c.738C>A on transcript NM_198391.3 (MANE Select); coding-DNA position 738, C replaced by A.
Protein change: p.Gly246=; no amino-acid change (glycine 246 retained).
Molecular consequence: synonymous variant. On other transcripts: intron variant (3).
Genome position (GRCh38, 1-based): chr20:14,326,769, G>T on the plus strand (C>A on the coding strand, the complement: FLRT3 is on the minus strand). VCF-style: chr20-14326769-G-T. GRCh37 (hg19) VCF-style: chr20-14307415-G-T.
Other names: c.738C>A, p.Gly246= (NM_013281.4); c.272-166710G>T (NM_001351661.2, NM_001351663.2, NM_080676.6).
Identifiers: ClinVar variation 747121 (VCV000747121.34), dbSNP rs151151641, ClinGen allele CA9768999.